The following is an entry in ClinVar:

NM_024721.5(ZFHX4):c.1475C>T (p.Thr492Ile)

Gene: ZFHX4 (zinc finger homeobox 4; plus strand). Cytogenetic location: 8q21.13.
Variant type: single nucleotide variant.
Coding change: c.1475C>T on transcript NM_024721.5 (MANE Select); coding-DNA position 1475, C replaced by T.
Protein change: p.Thr492Ile; replaces threonine 492 with isoleucine.
Molecular consequence: missense variant.
Genome position (GRCh38, 1-based): chr8:76,705,563, C>T. VCF-style: chr8-76705563-C-T. GRCh37 (hg19) VCF-style: chr8-77617798-C-T.
Other names: c.1475C>T, p.Thr492Ile (NM_001410934.1); short protein forms T492I.
Identifiers: ClinVar variation 3050059 (VCV003050059.4), dbSNP rs73690865, ClinGen allele CA4786830.

ClinVar aggregate classification (germline): Likely benign. Review status: criteria provided, multiple submitters, no conflicts (2 of 4 stars). 3 submissions from 3 submitters: Likely benign (2). 1 of the submissions does not count toward it. Last evaluated 2026-08-01.

Conditions:
ZFHX4-related disorder. Also called: ZFHX4-related condition.

Allele frequency attached by ClinVar (database versions not stated): gnomAD exomes 0.00034; ExAC 0.00105; gnomAD 0.00328; TOPMed 0.00363; ESP Exome Variant Server 0.00382; 1000 Genomes Project 30x 0.00500; 1000 Genomes Project 0.00519.
gnomAD v4.1: 1,007 of 1,613,602 alleles (0.062%); highest among the groups gnomAD compares: African/African-American, 1.2%; 6 homozygotes.

Submissions (3):

CeGaT Center for Human Genetics Tuebingen
Classification: Likely benign. Last evaluated: 2026-08-01. Review status: criteria provided, single submitter. Criteria: CeGaT Center For Human Genetics Tuebingen Variant Classification Criteria Version 2. Collection method: clinical testing. Allele origin: germline. Affected: yes. Observed: 1 variant allele.
Comment: ZFHX4: BS1

Blueprint Genetics
Classification: Likely benign. Last evaluated: 2024-05-03. Review status: criteria provided, single submitter. Criteria: ACMG Guidelines, 2015. Collection method: clinical testing. Allele origin: germline.

PreventionGenetics, part of Exact Sciences
Classification: Benign for ZFHX4-related condition. Last evaluated: 2019-08-09. Review status: no assertion criteria provided. Collection method: clinical testing. Allele origin: germline. Not counted in ClinVar's aggregate classification.
Comment: This variant is classified as benign based on ACMG/AMP sequence variant interpretation guidelines (Richards et al. 2015 PMID: 25741868, with internal and published modifications).